The following is an entry in ClinVar:

ClinVar aggregate classification (germline): Likely benign. Review status: criteria provided, multiple submitters, no conflicts (2 of 4 stars). 5 submissions from 5 submitters: Likely benign (3). 2 of the submissions do not count toward it. Last evaluated 2025-10-15.

Conditions:
KMT2D-related disorder. Also called: KMT2D-Related Disorders.
Kabuki syndrome. Also called: Kabuki make-up syndrome; NIIKAWA-KUROKI SYNDROME. Identifiers: Orphanet 2322, MedGen C0796004, MONDO:0016512.

Allele frequency attached by ClinVar (database versions not stated): gnomAD exomes 0.00009 and 0.00004; ExAC 0.00013; 1000 Genomes Project 30x 0.00078; 1000 Genomes Project 0.00080; gnomAD 0.00006 and 0.00009; TOPMed 0.00007; ESP Exome Variant Server 0.00008.
gnomAD v4.1: 72 of 1,612,176 alleles (0.0045%); highest among the groups gnomAD compares: Middle Eastern, 0.05%; no homozygotes.

Submissions (5):

Labcorp Genetics (formerly Invitae), Labcorp
Classification: Likely benign for Kabuki syndrome. Last evaluated: 2025-10-15. Review status: criteria provided, single submitter. Criteria: Invitae Variant Classification Sherloc (09022015). Collection method: clinical testing. Allele origin: germline.

Blueprint Genetics
Classification: Likely benign. Last evaluated: 2024-03-20. Review status: criteria provided, single submitter. Criteria: ACMG Guidelines, 2015. Collection method: clinical testing. Allele origin: germline.

GeneDx
Classification: Likely benign. Last evaluated: 2020-08-20. Review status: criteria provided, single submitter. Criteria: GeneDx Variant Classification Process June 2021. Collection method: clinical testing. Allele origin: germline. Affected: yes.

PreventionGenetics, part of Exact Sciences
Classification: Likely benign for KMT2D-related condition. Last evaluated: 2024-06-01. Review status: no assertion criteria provided. Collection method: clinical testing. Allele origin: germline. Not counted in ClinVar's aggregate classification.
Comment: This variant is classified as likely benign based on ACMG/AMP sequence variant interpretation guidelines (Richards et al. 2015 PMID: 25741868, with internal and published modifications).

ITMI
No classification provided. Condition: AllHighlyPenetrant. Last evaluated: 2013-09-19. Review status: no classification provided. Collection method: reference population. Allele origin: germline. Not counted in ClinVar's aggregate classification.
Comment: Please see associated publication for description of ethnicities

Literature cited by the submitters: PubMed 24728327 (cited by ITMI).

NM_003482.4(KMT2D):c.10024C>T (p.Arg3342Cys)

Gene: KMT2D (lysine methyltransferase 2D; minus strand). Cytogenetic location: 12q13.12.
Variant type: single nucleotide variant.
Coding change: c.10024C>T on transcript NM_003482.4 (MANE Select); coding-DNA position 10024, C replaced by T.
Protein change: p.Arg3342Cys; replaces arginine 3342 with cysteine.
Molecular consequence: missense variant.
Genome position (GRCh38, 1-based): chr12:49,037,332, G>A on the plus strand (C>T on the coding strand, the complement: KMT2D is on the minus strand). VCF-style: chr12-49037332-G-A. GRCh37 (hg19) VCF-style: chr12-49431115-G-A.
Other names: short protein forms R3342C.
Identifiers: ClinVar variation 134705 (VCV000134705.14), dbSNP rs371869550, ClinGen allele CA160577.